The following is an entry in ClinVar:

NM_003244.4(TGIF1):c.436G>T (p.Ala146Ser)

Gene: TGIF1 (TGFB induced factor homeobox 1; plus strand). Cytogenetic location: 18p11.31.
Variant type: single nucleotide variant.
Coding change: c.436G>T on transcript NM_003244.4 (MANE Select); coding-DNA position 436, G replaced by T.
Protein change: p.Ala146Ser; replaces alanine 146 with serine.
Molecular consequence: missense variant.
Genome position (GRCh38, 1-based): chr18:3,457,557, G>T. VCF-style: chr18-3457557-G-T. GRCh37 (hg19) VCF-style: chr18-3457555-G-T.
Other names: c.436G>T, p.Ala146Ser (NM_001278684.2, NM_173208.3); c.376G>T, p.Ala126Ser (NM_001278686.3, NM_001374396.1, NM_001374397.1 and 5 more transcripts); c.478G>T, p.Ala160Ser (NM_173207.4); c.445G>T, p.Ala149Ser (NM_001278682.2); short protein forms A126S, A146S, A149S, A160S.
Identifiers: ClinVar variation 3723045 (VCV003723045.2).
Genomic context (GRCh38, chr18:3,457,557, plus strand): 5'-GTGATGGGCATCAAAAACTTCATGCCAGCTCTAGAGGAGACCCCATTTCATTCCTGTACA[G>T]CTGGGCCAAACCCAACCCTAGGGAGGCCACTGTCTCCTAAGCCGTCATCCCCGGGATCAG-3'
Protein context (NP_003235.1, residues 136-156): LEETPFHSCT[Ala146Ser]GPNPTLGRPL

ClinVar aggregate classification (germline): Uncertain significance (1 of 4 stars; one submission).

Conditions:
Holoprosencephaly 4 (HPE4). Identifiers: Orphanet 2162, MedGen C1840528, MONDO:0007734, OMIM 142946.

gnomAD v4.1: 28 of 1,614,202 alleles (0.0017%); highest among the groups gnomAD compares: Middle Eastern, 0.016%; no homozygotes.

Submission:

Labcorp Genetics (formerly Invitae), Labcorp
Classification: Uncertain significance for Holoprosencephaly 4. Last evaluated: 2024-02-12. Review status: criteria provided, single submitter. Criteria: Invitae Variant Classification Sherloc (09022015). Collection method: clinical testing. Allele origin: germline.
Comment: This sequence change replaces alanine, which is neutral and non-polar, with serine, which is neutral and polar, at codon 146 of the TGIF1 protein (p.Ala146Ser). This variant is present in population databases (rs746699119, gnomAD 0.003%). This missense change has been observed in individuals with clinical features of TGIF1-related conditions (PMID: 22125506; Invitae). Advanced modeling of protein sequence and biophysical properties (such as structural, functional, and spatial information, amino acid conservation, physicochemical variation, residue mobility, and thermodynamic stability) performed at Invitae indicates that this missense variant is not expected to disrupt TGIF1 protein function with a negative predictive value of 80%. In summary, the available evidence is currently insufficient to determine the role of this variant in disease. Therefore, it has been classified as a Variant of Uncertain Significance.

Literature cited by the submitters: PubMed 22125506.